The following continues an entry in ClinVar:

NM_001165963.4(SCN1A):c.1178G>A (p.Arg393His)

Gene: SCN1A. ClinVar aggregate classification (germline): Pathogenic/Likely pathogenic. Pathogenic (13); Likely pathogenic (1).

Submissions 13 to 19 of 19:

Center for Bioinformatics, Peking University
Classification: Pathogenic for Dravet syndrome. Last evaluated: 2014-12-20. Review status: criteria provided, single submitter. Criteria: Xu et al. (Hum Mutat. 2015). Collection method: research. Allele origin: de novo. Affected: yes. Observed: 5 variant alleles. Study: University Clinical Cooperation “985 Project” PKU-2014-1-1.
Comment: Dravet syndrome (DS) probands were recruited from the outpatient and inpatient child neurology units of Peking University First Hospital from 2005 till present. The study was approved by the Ethics Committee of Peking University First Hospital and the Institutional Review Board at Peking University. Participants or their parents provided written informed consent before enrollment. We collected a total of 267 mutations from 255 families with probands diagnosed with DS in China. All probands fulfilled the clinical diagnostic criteria.

Neuberg Centre For Genomic Medicine, NCGM
Classification: Pathogenic for Severe myoclonic epilepsy in infancy. Review status: criteria provided, single submitter. Criteria: ACMG Guidelines, 2015. Collection method: clinical testing. Allele origin: germline. Inheritance: Autosomal dominant inheritance. Affected: yes.
Comment: The missense variant p.R393H in SCN1A (NM_001165963.4) causes the same amino acid change as a previously established pathogenic variant. This variant has been reported in additional individuals affected with SMEI, severe myoclonic epilepsy of infancy, borderline phenotype (SMEB) and Dravet syndrome (Wang JW et al, 2012; Rilstone JJ et al, 2012; Le SV, 2017). Experimental studies have shown that this missense change results in a non-functional SCN1A protein channel (Ohmori I et al, 2006). The p.R393H variant is novel (not in any individuals) in gnomAD Exomes and is novel (not in any individuals) in 1000 Genomes. The p.R393H missense variant is predicted to be damaging by both SIFT and PolyPhen2. The arginine residue at codon 393 of SCN1A is conserved in all mammalian species. The nucleotide c.1178 in SCN1A is predicted conserved by GERP++ and PhyloP across 100 vertebrates. For these reasons, this variant has been classified as Pathogenic.

Center of Excellence for Medical Genomics, Chulalongkorn University
Classification: Pathogenic for Migraine, familial hemiplegic, 3. Last evaluated: 2002-09-08. Review status: no assertion criteria provided. Collection method: research. Allele origin: de novo. Affected: yes. Not counted in ClinVar's aggregate classification.

Channelopathy-Associated Epilepsy Research Center
No classification provided (evidence only). Condition: Severe myoclonic epilepsy in infancy. Review status: no classification provided. Collection method: literature only. Allele origin: not applicable. Functional consequence: Absence of peak current. Not counted in ClinVar's aggregate classification.
ClinVar note: "not provided" was previously submitted as the classification for the variant. However, the classification appeared to be based only on an observation of functional data so it was converted to no classification on 2025-07-30.

Genome Diagnostics Laboratory, Amsterdam University Medical Center
Classification: Pathogenic. Review status: no assertion criteria provided. Collection method: clinical testing. Allele origin: germline. Affected: yes. Study: VKGL Data-share Consensus. Not counted in ClinVar's aggregate classification.

Joint Genome Diagnostic Labs from Nijmegen and Maastricht, Radboudumc and MUMC+
Classification: Pathogenic. Review status: no assertion criteria provided. Collection method: clinical testing. Allele origin: germline. Affected: yes. Study: VKGL Data-share Consensus. Not counted in ClinVar's aggregate classification.

UniProtKB/Swiss-Prot
No classification provided. Condition: Severe myoclonic epilepsy in infancy. Review status: no classification provided. Collection method: not provided. Allele origin: unknown. Not counted in ClinVar's aggregate classification.

Literature cited by the submitters: PubMed 12754708 (cited by 4 submitters); PubMed 28544625 (cited by 3 submitters); PubMed 17054685 (cited by 5 submitters); PubMed 22780858 (cited by 3 submitters); PubMed 23195492 (cited by 3 submitters); PubMed 17054684 (cited by Labcorp Genetics (formerly Invitae), Labcorp); PubMed 21868258 (cited by Labcorp Genetics (formerly Invitae), Labcorp); PubMed 23934111 (cited by Labcorp Genetics (formerly Invitae), Labcorp); PubMed 24168886 (cited by Athena Diagnostics and Women's Health and Genetics/Laboratory Corporation of America, LabCorp); PubMed 21703448 (cited by Athena Diagnostics and Women's Health and Genetics/Laboratory Corporation of America, LabCorp); PubMed 17561957 (cited by Athena Diagnostics and Women's Health and Genetics/Laboratory Corporation of America, LabCorp); PubMed 32090326 (cited by Athena Diagnostics); PubMed 30368457 (cited by Athena Diagnostics); PubMed 33067208 (cited by Athena Diagnostics); PubMed 32613771 (cited by Athena Diagnostics); PubMed 34163418 (cited by Athena Diagnostics); PubMed 33084218 (cited by Athena Diagnostics); PubMed 34268891 (cited by Athena Diagnostics); PubMed 22612257 (cited by Athena Diagnostics and Women's Health and Genetics/Laboratory Corporation of America, LabCorp); PubMed 20431604 (cited by Athena Diagnostics and Women's Health and Genetics/Laboratory Corporation of America, LabCorp); DOI 10.1055/s-0044-1786365 (cited by Unidad de Genómica Garrahan, Hospital de Pediatría Garrahan); PubMed 21248271 (cited by Women's Health and Genetics/Laboratory Corporation of America, LabCorp).